The following is an entry in ClinVar:

ClinVar aggregate classification (germline): Uncertain significance (1 of 4 stars; one submission).

Conditions:
Hereditary cancer-predisposing syndrome. Also called: Neoplastic Syndromes, Hereditary; Tumor predisposition; Hereditary neoplastic syndrome; Hereditary Cancer Syndrome. Identifiers: Orphanet 140162, MedGen C0027672, MeSH D009386, MONDO:0015356.

Submission:

Ambry Genetics
Classification: Uncertain significance for Hereditary cancer-predisposing syndrome. Last evaluated: 2024-02-21. Review status: criteria provided, single submitter. Criteria: Ambry Variant Classification Scheme 2023. Collection method: clinical testing. Allele origin: germline.
Comment: The p.N796T variant (also known as c.2387A>C), located in coding exon 15 of the ATM gene, results from an A to C substitution at nucleotide position 2387. The asparagine at codon 796 is replaced by threonine, an amino acid with similar properties. This amino acid position is not well conserved in available vertebrate species. In addition, this alteration is predicted to be tolerated by in silico analysis. Based on the available evidence, the clinical significance of this alteration remains unclear.

NM_000051.4(ATM):c.2387A>C (p.Asn796Thr)

Gene: ATM (ATM serine/threonine kinase; plus strand). Cytogenetic location: 11q22.3.
Variant type: single nucleotide variant.
Coding change: c.2387A>C on transcript NM_000051.4 (MANE Select); coding-DNA position 2387, A replaced by C.
Protein change: p.Asn796Thr; replaces asparagine 796 with threonine.
Molecular consequence: missense variant.
Genome position (GRCh38, 1-based): chr11:108,258,996, A>C. VCF-style: chr11-108258996-A-C. GRCh37 (hg19) VCF-style: chr11-108129723-A-C.
Other names: c.2387A>C, p.Asn796Thr (NM_001351834.2); short protein forms N796T.
Identifiers: ClinVar variation 3232393 (VCV003232393.1), dbSNP rs1555076612, ClinGen allele CA382541052.